The following is an entry in ClinVar:

ClinVar aggregate classification (germline): Uncertain significance (1 of 4 stars; one submission).

gnomAD v4.1: 11 of 1,612,210 alleles (0.00068%); highest among the groups gnomAD compares: Admixed American, 0.0017%; no homozygotes.

Submission:

Labcorp Genetics (formerly Invitae), Labcorp
Classification: Uncertain significance. Last evaluated: 2025-09-29. Review status: criteria provided, single submitter. Criteria: Invitae Variant Classification Sherloc (09022015). Collection method: clinical testing. Allele origin: germline.
Comment: This sequence change replaces serine, which is neutral and polar, with arginine, which is basic and polar, at codon 473 of the JAK2 protein (p.Ser473Arg). This variant is present in population databases (no rsID available, gnomAD 0.003%). This variant has not been reported in the literature in individuals affected with JAK2-related conditions. Invitae Evidence Modeling of protein sequence and biophysical properties (such as structural, functional, and spatial information, amino acid conservation, physicochemical variation, residue mobility, and thermodynamic stability) has been performed for this missense variant. However, the output from this modeling did not meet the statistical confidence thresholds required to predict the impact of this variant on JAK2 protein function. In summary, the available evidence is currently insufficient to determine the role of this variant in disease. Therefore, it has been classified as a Variant of Uncertain Significance.

NM_004972.4(JAK2):c.1417A>C (p.Ser473Arg)

Genes: INSL6 (insulin like 6; minus strand), JAK2 (Janus kinase 2; plus strand). Cytogenetic location: 9p24.1.
Variant type: single nucleotide variant.
Coding change: c.1417A>C on transcript NM_004972.4 (MANE Select); coding-DNA position 1417, A replaced by C.
Protein change: p.Ser473Arg; replaces serine 473 with arginine.
Molecular consequence: missense variant. On other transcripts: non-coding transcript variant (2).
Genome position (GRCh38, 1-based): chr9:5,069,112, A>C. VCF-style: chr9-5069112-A-C. GRCh37 (hg19) VCF-style: chr9-5069112-A-C.
Other names: c.1417A>C, p.Ser473Arg (NM_001322194.2, NM_001322195.2, NM_001322196.2); c.202A>C, p.Ser68Arg (NM_001322198.2, NM_001322199.2); c.970A>C, p.Ser324Arg (NM_001322204.2); short protein forms S473R, S68R, S324R.
Identifiers: ClinVar variation 4761062 (VCV004761062.1).